The following is an entry in ClinVar:

ClinVar aggregate classification (germline): Uncertain significance (1 of 4 stars; one submission).

Allele frequency attached by ClinVar (database versions not stated): gnomAD exomes 0.00001 and 0.00002; ExAC 0.00002; gnomAD 0.00003; TOPMed 0.00003.
gnomAD v4.1: 25 of 1,612,892 alleles (0.0016%); highest among the groups gnomAD compares: African/African-American, 0.0053%; no homozygotes.

Submission:

Labcorp Genetics (formerly Invitae), Labcorp
Classification: Uncertain significance. Last evaluated: 2023-11-07. Review status: criteria provided, single submitter. Criteria: Invitae Variant Classification Sherloc (09022015). Collection method: clinical testing. Allele origin: germline.
Comment: This sequence change replaces isoleucine, which is neutral and non-polar, with threonine, which is neutral and polar, at codon 776 of the RASGRP1 protein (p.Ile776Thr). This variant is present in population databases (rs750616287, gnomAD 0.01%). This variant has not been reported in the literature in individuals affected with RASGRP1-related conditions. ClinVar contains an entry for this variant (Variation ID: 1394789). An algorithm developed to predict the effect of missense changes on protein structure and function (PolyPhen-2) suggests that this variant¬†is likely to be tolerated. In summary, the available evidence is currently insufficient to determine the role of this variant in disease. Therefore, it has been classified as a Variant of Uncertain Significance.

NM_005739.4(RASGRP1):c.2327T>C (p.Ile776Thr)

Gene: RASGRP1 (RAS guanyl releasing protein 1; minus strand). Cytogenetic location: 15q14.
Variant type: single nucleotide variant.
Coding change: c.2327T>C on transcript NM_005739.4 (MANE Select); coding-DNA position 2327, T replaced by C.
Protein change: p.Ile776Thr; replaces isoleucine 776 with threonine.
Molecular consequence: missense variant. On other transcripts: 3 prime UTR variant (1).
Genome position (GRCh38, 1-based): chr15:38,490,621, A>G on the plus strand (T>C on the coding strand, the complement: RASGRP1 is on the minus strand). VCF-style: chr15-38490621-A-G. GRCh37 (hg19) VCF-style: chr15-38782822-A-G.
Other names: c.2222T>C, p.Ile741Thr (NM_001128602.2); c.*42T>C (NM_001306086.2); short protein forms I741T, I776T.
Identifiers: ClinVar variation 1394789 (VCV001394789.4), dbSNP rs750616287, ClinGen allele CA7470633.